The following is an entry in ClinVar:

ClinVar aggregate classification (germline): Uncertain significance (1 of 4 stars; one submission).

Conditions:
Tumor predisposition syndrome 3 (TPDS3). Also called: Melanoma, cutaneous malignant, susceptibility to, 10; Glioma susceptibility 9; LONG TELOMERE SYNDROME, POT1-RELATED; POT1 Tumor Predisposition. Identifiers: Orphanet 618, MedGen C4014476, MONDO:0014368, OMIM 615848.

Submission:

Labcorp Genetics (formerly Invitae), Labcorp
Classification: Uncertain significance for Tumor predisposition syndrome 3. Last evaluated: 2025-04-24. Review status: criteria provided, single submitter. Criteria: Invitae Variant Classification Sherloc (09022015). Collection method: clinical testing. Allele origin: germline.
Comment: This sequence change replaces alanine, which is neutral and non-polar, with threonine, which is neutral and polar, at codon 6 of the POT1 protein (p.Ala6Thr). This variant is not present in population databases (gnomAD no frequency). This variant has not been reported in the literature in individuals affected with POT1-related conditions. Invitae Evidence Modeling of protein sequence and biophysical properties (such as structural, functional, and spatial information, amino acid conservation, physicochemical variation, residue mobility, and thermodynamic stability) indicates that this missense variant is not expected to disrupt POT1 protein function with a negative predictive value of 80%. In summary, the available evidence is currently insufficient to determine the role of this variant in disease. Therefore, it has been classified as a Variant of Uncertain Significance.

NM_015450.3(POT1):c.16G>A (p.Ala6Thr)

Gene: POT1 (protection of telomeres 1; minus strand). Cytogenetic location: 7q31.33.
Variant type: single nucleotide variant.
Coding change: c.16G>A on transcript NM_015450.3 (MANE Select); coding-DNA position 16, G replaced by A.
Protein change: p.Ala6Thr; replaces alanine 6 with threonine.
Molecular consequence: missense variant. On other transcripts: 5 prime UTR variant (1), non-coding transcript variant (3).
Genome position (GRCh38, 1-based): chr7:124,892,374, C>T on the plus strand (G>A on the coding strand, the complement: POT1 is on the minus strand). VCF-style: chr7-124892374-C-T. GRCh37 (hg19) VCF-style: chr7-124532428-C-T.
Other names: c.-247G>A (NM_001042594.2); short protein forms A6T.
Identifiers: ClinVar variation 4807150 (VCV004807150.1).